The following is an entry in ClinVar:

NM_024675.4(PALB2):c.2813A>G (p.Asn938Ser)

Gene: PALB2 (partner and localizer of BRCA2; minus strand). Cytogenetic location: 16p12.2.
Variant type: single nucleotide variant.
Coding change: c.2813A>G on transcript NM_024675.4 (MANE Select); coding-DNA position 2813, A replaced by G.
Protein change: p.Asn938Ser; replaces asparagine 938 with serine.
Molecular consequence: missense variant.
Genome position (GRCh38, 1-based): chr16:23,624,030, T>C on the plus strand (A>G on the coding strand, the complement: PALB2 is on the minus strand). VCF-style: chr16-23624030-T-C. GRCh37 (hg19) VCF-style: chr16-23635351-T-C.
Other names: short protein forms N938S.
Identifiers: ClinVar variation 584543 (VCV000584543.17), dbSNP rs1567214357, ClinGen allele CA395144893.

ClinVar aggregate classification (germline): Conflicting classifications of pathogenicity. Review status: criteria provided, conflicting classifications (1 of 4 stars). 5 submissions from 5 submitters: Uncertain significance (4); Likely benign (1). Last evaluated 2025-08-25.

Conditions:
Hereditary cancer-predisposing syndrome. Also called: Neoplastic Syndromes, Hereditary; Hereditary Cancer Syndrome; Tumor predisposition; Hereditary neoplastic syndrome. Identifiers: Orphanet 140162, MedGen C0027672, MeSH D009386, MONDO:0015356.
Familial cancer of breast. Also called: Hereditary breast cancer; hereditary breast carcinoma; BREAST CANCER, FAMILIAL. Identifiers: Orphanet 227535, MedGen C0346153, MONDO:0016419, OMIM 114480. Disease mechanism: loss of function.

Allele frequency attached by ClinVar (database versions not stated): gnomAD exomes below 0.00001.
gnomAD v4.1: 4 of 1,600,504 alleles (0.00025%); highest among the groups gnomAD compares: Admixed American, 0.0017%; no homozygotes.

Submissions (5):

Labcorp Genetics (formerly Invitae), Labcorp
Classification: Uncertain significance for Familial cancer of breast. Last evaluated: 2025-08-25. Review status: criteria provided, single submitter. Criteria: Invitae Variant Classification Sherloc (09022015). Collection method: clinical testing. Allele origin: germline.
Comment: This sequence change replaces asparagine, which is neutral and polar, with serine, which is neutral and polar, at codon 938 of the PALB2 protein (p.Asn938Ser). This variant is not present in population databases (gnomAD no frequency). This missense change has been observed in individual(s) with breast and/or ovarian cancer (PMID: 31159747). ClinVar contains an entry for this variant (Variation ID: 584543). Invitae Evidence Modeling of protein sequence and biophysical properties (such as structural, functional, and spatial information, amino acid conservation, physicochemical variation, residue mobility, and thermodynamic stability) indicates that this missense variant is not expected to disrupt PALB2 protein function with a negative predictive value of 80%. In summary, the available evidence is currently insufficient to determine the role of this variant in disease. Therefore, it has been classified as a Variant of Uncertain Significance.

Ambry Genetics
Classification: Likely benign for Hereditary cancer-predisposing syndrome. Last evaluated: 2024-09-04. Review status: criteria provided, single submitter. Criteria: Ambry Variant Classification Scheme 2023. Collection method: clinical testing. Allele origin: germline.

Color Diagnostics, LLC DBA Color Health
Classification: Uncertain significance for Hereditary cancer-predisposing syndrome. Last evaluated: 2023-05-10. Review status: criteria provided, single submitter. Criteria: ACMG Guidelines, 2015. Collection method: clinical testing. Allele origin: germline.
Comment: This missense variant replaces asparagine with serine at codon 938 of the PALB2 protein. Computational prediction suggests that this variant may not impact protein structure and function (internally defined REVEL score threshold <= 0.5, PMID: 27666373). To our knowledge, functional studies have not been reported for this variant. This variant has not been reported in individuals affected with hereditary cancer in the literature. This variant has not been identified in the general population by the Genome Aggregation Database (gnomAD). The available evidence is insufficient to determine the role of this variant in disease conclusively. Therefore, this variant is classified as a Variant of Uncertain Significance.

GeneDx
Classification: Uncertain significance. Last evaluated: 2022-04-25. Review status: criteria provided, single submitter. Criteria: GeneDx Variant Classification Process June 2021. Collection method: clinical testing. Allele origin: germline. Affected: yes.
Comment: Not observed at significant frequency in large population cohorts (gnomAD); In silico analysis supports that this missense variant has a deleterious effect on protein structure/function; Observed in an individual with a personal and/or family history of cancer (Tsaousis 2019); This variant is associated with the following publications: (PMID: 31159747, 24485656, 19609323, 20871615)

GeneKor MSA
Classification: Uncertain significance for Hereditary cancer-predisposing syndrome. Last evaluated: 2018-08-01. Review status: criteria provided, single submitter. Criteria: ACMG Guidelines, 2015. Collection method: clinical testing. Allele origin: germline. Affected: yes.

Literature cited by the submitters: PubMed 31159747 (cited by Labcorp Genetics (formerly Invitae), Labcorp and Ambry Genetics).